The following is an entry in ClinVar:

ClinVar aggregate classification (germline): Uncertain significance. Review status: criteria provided, multiple submitters, no conflicts (2 of 4 stars). 2 submissions from 2 submitters: Uncertain significance (2). Last evaluated 2025-11-03.

Conditions:
Inborn genetic diseases. Identifiers: MedGen C0950123, MeSH D030342.

gnomAD v4.1: 3 of 1,613,820 alleles (0.00019%); highest among the groups gnomAD compares: South Asian, 0.0022%; no homozygotes.

Submissions (2):

Labcorp Genetics (formerly Invitae), Labcorp
Classification: Uncertain significance. Last evaluated: 2025-11-03. Review status: criteria provided, single submitter. Criteria: Invitae Variant Classification Sherloc (09022015). Collection method: clinical testing. Allele origin: germline.
Comment: This sequence change replaces alanine, which is neutral and non-polar, with valine, which is neutral and non-polar, at codon 352 of the DEAF1 protein (p.Ala352Val). The frequency data for this variant in the population databases is considered unreliable, as metrics indicate poor data quality at this position in the gnomAD database. This variant has not been reported in the literature in individuals affected with DEAF1-related conditions. ClinVar contains an entry for this variant (Variation ID: 3697398). Invitae Evidence Modeling of protein sequence and biophysical properties (such as structural, functional, and spatial information, amino acid conservation, physicochemical variation, residue mobility, and thermodynamic stability) has been performed for this missense variant. However, the output from this modeling did not meet the statistical confidence thresholds required to predict the impact of this variant on DEAF1 protein function. In summary, the available evidence is currently insufficient to determine the role of this variant in disease. Therefore, it has been classified as a Variant of Uncertain Significance.

Ambry Genetics
Classification: Uncertain significance for Inborn genetic diseases. Last evaluated: 2025-08-19. Review status: criteria provided, single submitter. Criteria: Ambry Variant Classification Scheme 2023. Collection method: clinical testing. Allele origin: germline.

NM_021008.4(DEAF1):c.1055C>T (p.Ala352Val)

Gene: DEAF1 (DEAF1 transcription factor; minus strand). Cytogenetic location: 11p15.5.
Variant type: single nucleotide variant.
Coding change: c.1055C>T on transcript NM_021008.4 (MANE Select); coding-DNA position 1055, C replaced by T.
Protein change: p.Ala352Val; replaces alanine 352 with valine.
Molecular consequence: missense variant.
Genome position (GRCh38, 1-based): chr11:679,759, G>A on the plus strand (C>T on the coding strand, the complement: DEAF1 is on the minus strand). VCF-style: chr11-679759-G-A. GRCh37 (hg19) VCF-style: chr11-679759-G-A.
Other names: c.788C>T, p.Ala263Val (NM_001293634.2); c.329C>T, p.Ala110Val (NM_001367390.1); c.1055C>T (NM_021008.2); short protein forms A110V, A263V, A352V.
Identifiers: ClinVar variation 3697398 (VCV003697398.3).
Genomic context (GRCh38, chr11:679,759, plus strand): 5'-GCGAAGACGTCGCCCTGGGCCGGACTCTCTGATATGACAGCAGTGGCCTCTACCGTGGAC[G>A]CTCGGTCAAAGGTCAGTGCCCCCGAGGTCGTGATCTGTCCCGAGGGGGTCACGGTGACTG-3'
Protein context (NP_066288.2, residues 342-362): TTSGALTFDR[Ala352Val]STVEATAVIS